The following is an entry in ClinVar:

NM_003072.5(SMARCA4):c.1010C>G (p.Ala337Gly)

Gene: SMARCA4 (SWI/SNF related BAF chromatin remodeling complex subunit ATPase 4; plus strand). Cytogenetic location: 19p13.2.
Variant type: single nucleotide variant.
Coding change: c.1010C>G on transcript NM_003072.5 (MANE Select); coding-DNA position 1010, C replaced by G.
Protein change: p.Ala337Gly; replaces alanine 337 with glycine.
Molecular consequence: missense variant. On other transcripts: non-coding transcript variant (1).
Genome position (GRCh38, 1-based): chr19:10,987,816, C>G. VCF-style: chr19-10987816-C-G. GRCh37 (hg19) VCF-style: chr19-11098492-C-G.
Other names: c.1010C>G, p.Ala337Gly (NM_001128844.3, NM_001128845.2, NM_001128846.2 and 6 more transcripts); short protein forms A337G.
Identifiers: ClinVar variation 4864750 (VCV004864750.1).

ClinVar aggregate classification (germline): Uncertain significance (1 of 4 stars; one submission).

Conditions:
Hereditary cancer-predisposing syndrome. Also called: Neoplastic Syndromes, Hereditary; Tumor predisposition; Hereditary Cancer Syndrome; Hereditary neoplastic syndrome. Identifiers: Orphanet 140162, MedGen C0027672, MeSH D009386, MONDO:0015356.

gnomAD v4.1: 2 of 1,605,900 alleles (0.00012%); highest among the groups gnomAD compares: Non-Finnish European, 0.000085%; no homozygotes.

Submission:

Ambry Genetics
Classification: Uncertain significance for Hereditary cancer-predisposing syndrome. Last evaluated: 2026-04-04. Review status: criteria provided, single submitter. Criteria: Ambry Variant Classification Scheme 2023. Collection method: clinical testing. Allele origin: germline.
Comment: The p.A337G variant (also known as c.1010C>G), located in coding exon 5 of the SMARCA4 gene, results from a C to G substitution at nucleotide position 1010. The alanine at codon 337 is replaced by glycine, an amino acid with similar properties. This amino acid position is conserved. In addition, this alteration is predicted to be tolerated by in silico analysis. Based on the available evidence, the clinical significance of this variant remains unclear.